The following is an entry in ClinVar:

NM_004208.4(AIFM1):c.726G>C (p.Met242Ile)

Genes: AIFM1 (apoptosis inducing factor mitochondria associated 1; minus strand), RAB33A (RAB33A, member RAS oncogene family; plus strand). Cytogenetic location: Xq26.1.
Variant type: single nucleotide variant.
Coding change: c.726G>C on transcript NM_004208.4 (MANE Select); coding-DNA position 726, G replaced by C.
Protein change: p.Met242Ile; replaces methionine 242 with isoleucine.
Molecular consequence: missense variant. On other transcripts: non-coding transcript variant (1).
Genome position (GRCh38, 1-based): chrX:130,140,588, C>G on the plus strand (G>C on the coding strand, the complement: AIFM1 is on the minus strand). VCF-style: chrX-130140588-C-G. GRCh37 (hg19) VCF-style: chrX-129274563-C-G.
Other names: c.726G>C, p.Met242Ile (NM_001130847.4); c.714G>C, p.Met238Ile (NM_145812.3); short protein forms M238I, M242I.
Identifiers: ClinVar variation 4999290 (VCV004999290.1).

ClinVar aggregate classification (germline): Uncertain significance (1 of 4 stars; one submission).

Conditions:
AIFM1-related disorder. Also called: AIFM1-related condition.

Submission:

PreventionGenetics, part of Exact Sciences
Classification: Uncertain significance for AIFM1-related condition. Last evaluated: 2025-07-26. Review status: criteria provided, single submitter. Criteria: ACMG Guidelines, 2015. Collection method: clinical testing. Allele origin: germline.
Comment: The AIFM1 c.726G>C variant is predicted to result in the amino acid substitution p.Met242Ile. To our knowledge, this variant has not been reported in the literature or in a large population database (gnomAD), indicating this variant is rare. At this time, the clinical significance of this variant is uncertain due to the absence of conclusive functional and genetic evidence.